The following is an entry in ClinVar:

NM_000179.3(MSH6):c.3632T>G (p.Leu1211Arg)

Gene: MSH6 (mutS homolog 6; plus strand). Cytogenetic location: 2p16.3.
Variant type: single nucleotide variant.
Coding change: c.3632T>G on transcript NM_000179.3 (MANE Select); coding-DNA position 3632, T replaced by G.
Protein change: p.Leu1211Arg; replaces leucine 1211 with arginine.
Molecular consequence: missense variant.
Genome position (GRCh38, 1-based): chr2:47,805,693, T>G. VCF-style: chr2-47805693-T-G. GRCh37 (hg19) VCF-style: chr2-48032832-T-G.
Other names: c.3242T>G, p.Leu1081Arg (NM_001281492.2); c.2726T>G, p.Leu909Arg (NM_001281493.2, NM_001281494.2, NM_001406811.1 and 6 more transcripts); c.3728T>G, p.Leu1243Arg (NM_001406795.1, NM_001406802.1); c.3632T>G, p.Leu1211Arg (NM_001406796.1, NM_001406800.1, NM_001406808.1 and 1 more transcripts); c.3335T>G, p.Leu1112Arg (NM_001406797.1, NM_001406801.1, NM_001406805.1 and 10 more transcripts); c.3458T>G, p.Leu1153Arg (NM_001406798.1); c.3107T>G, p.Leu1036Arg (NM_001406799.1, NM_001406806.1, NM_001406807.1); c.2768T>G, p.Leu923Arg (NM_001406803.1); and 7 more; short protein forms L1036R, L1112R, L138R, L689R, L1081R, L1243R, L923R, L1153R.
Identifiers: ClinVar variation 1733424 (VCV001733424.2), dbSNP rs864622041, ClinGen allele CA346760607.

ClinVar aggregate classification (germline): Likely pathogenic (1 of 4 stars; one submission).

Conditions:
Hereditary cancer-predisposing syndrome. Also called: Neoplastic Syndromes, Hereditary; Tumor predisposition; Hereditary Cancer Syndrome; Hereditary neoplastic syndrome. Identifiers: Orphanet 140162, MedGen C0027672, MeSH D009386, MONDO:0015356.

Submission:

Ambry Genetics
Classification: Likely pathogenic for Hereditary cancer-predisposing syndrome. Last evaluated: 2022-01-14. Review status: criteria provided, single submitter. Criteria: Ambry Variant Classification Scheme 2023. Collection method: clinical testing. Allele origin: germline.
Comment: The p.L1211R variant (also known as c.3632T>G), located in coding exon 7 of the MSH6 gene, results from a T to G substitution at nucleotide position 3632. The leucine at codon 1211 is replaced by arginine, an amino acid with dissimilar properties. Based on internal structural analysis using a published crystal structure, this variant destabilizes the core of the ATPase domain (Warren JJ et al. Mol. Cell 2007 May;26:579-92). This amino acid position is highly conserved in available vertebrate species. This variant was not reported in population-based cohorts in the Genome Aggregation Database (gnomAD). In addition, this alteration is predicted to be deleterious by in silico analysis. Based on the majority of available evidence to date, this variant is likely to be pathogenic.

Literature cited by the submitters: PubMed 17531815.